The following is an entry in ClinVar:

NM_018136.5(ASPM):c.3354T>G (p.Asp1118Glu)

Gene: ASPM (assembly factor for spindle microtubules; minus strand). Cytogenetic location: 1q31.3.
Variant type: single nucleotide variant.
Coding change: c.3354T>G on transcript NM_018136.5 (MANE Select); coding-DNA position 3354, T replaced by G.
Protein change: p.Asp1118Glu; replaces aspartic acid 1118 with glutamic acid.
Molecular consequence: missense variant.
Genome position (GRCh38, 1-based): chr1:197,124,146, A>C on the plus strand (T>G on the coding strand, the complement: ASPM is on the minus strand). VCF-style: chr1-197124146-A-C. GRCh37 (hg19) VCF-style: chr1-197093276-A-C.
Other names: c.3354T>G, p.Asp1118Glu (NM_001206846.2); short protein forms D1118E.
Identifiers: ClinVar variation 515374 (VCV000515374.1), dbSNP rs1553225852, ClinGen allele CA344041672.

ClinVar aggregate classification (germline): Likely benign (1 of 4 stars; one submission).

Submission:

GeneDx
Classification: Likely benign. Last evaluated: 2018-02-08. Review status: criteria provided, single submitter. Criteria: GeneDx Variant Classification (06012015). Collection method: clinical testing. Allele origin: germline. Affected: yes.
Comment: This variant is considered likely benign or benign based on one or more of the following criteria: it is a conservative change, it occurs at a poorly conserved position in the protein, it is predicted to be benign by multiple in silico algorithms, and/or has population frequency not consistent with disease.